The following is an entry in ClinVar:

NM_015338.6(ASXL1):c.3269G>A (p.Arg1090Lys)

Gene: ASXL1 (ASXL transcriptional regulator 1; plus strand). Cytogenetic location: 20q11.21.
Variant type: single nucleotide variant.
Coding change: c.3269G>A on transcript NM_015338.6 (MANE Select); coding-DNA position 3269, G replaced by A.
Protein change: p.Arg1090Lys; replaces arginine 1090 with lysine.
Molecular consequence: missense variant.
Genome position (GRCh38, 1-based): chr20:32,435,981, G>A. VCF-style: chr20-32435981-G-A. GRCh37 (hg19) VCF-style: chr20-31023784-G-A.
Other names: c.3086G>A, p.Arg1029Lys (NM_001363734.1); short protein forms R1029K, R1090K.
Identifiers: ClinVar variation 4159649 (VCV004159649.1).

ClinVar aggregate classification (germline): Uncertain significance (1 of 4 stars; one submission).

Conditions:
Inborn genetic diseases. Identifiers: MedGen C0950123, MeSH D030342.

Submission:

Ambry Genetics
Classification: Uncertain significance for Inborn genetic diseases. Last evaluated: 2025-09-12. Review status: criteria provided, single submitter. Criteria: Ambry Variant Classification Scheme 2023. Collection method: clinical testing. Allele origin: germline.
Comment: The p.R1090K variant (also known as c.3269G>A), located in coding exon 13 of the ASXL1 gene, results from a G to A substitution at nucleotide position 3269. The arginine at codon 1090 is replaced by lysine, an amino acid with highly similar properties. This amino acid position is conserved. In addition, this alteration is predicted to be tolerated by in silico analysis. Based on the available evidence, the clinical significance of this variant remains unclear.